The following is an entry in ClinVar:

ClinVar aggregate classification (germline): Uncertain significance (1 of 4 stars; one submission).

Conditions:
Primary familial hypertrophic cardiomyopathy (HCM). Identifiers: Orphanet 99739, MedGen C0949658, MeSH D024741, MONDO:0024573. Inheritance: Various modes of inheritance.

gnomAD v4.1: 1 of 1,614,032 alleles (0.000062%); highest among the groups gnomAD compares: Admixed American, 0.0017%; no homozygotes.

Submission:

Labcorp Genetics (formerly Invitae), Labcorp
Classification: Uncertain significance for Primary familial hypertrophic cardiomyopathy. Last evaluated: 2025-09-02. Review status: criteria provided, single submitter. Criteria: Invitae Variant Classification Sherloc (09022015). Collection method: clinical testing. Allele origin: germline.
Comment: This sequence change replaces asparagine, which is neutral and polar, with serine, which is neutral and polar, at codon 202 of the ILK protein (p.Asn202Ser). This variant is present in population databases (no rsID available, gnomAD 0.003%). This variant has not been reported in the literature in individuals affected with ILK-related conditions. An algorithm developed to predict the effect of missense changes on protein structure and function (PolyPhen-2) suggests that this variant is likely to be tolerated. In summary, the available evidence is currently insufficient to determine the role of this variant in disease. Therefore, it has been classified as a Variant of Uncertain Significance.

NM_004517.4(ILK):c.605A>G (p.Asn202Ser)

Genes: ILK (integrin linked kinase; plus strand), TAF10 (TATA-box binding protein associated factor 10; minus strand). Cytogenetic location: 11p15.4.
Variant type: single nucleotide variant.
Coding change: c.605A>G on transcript NM_004517.4 (MANE Select); coding-DNA position 605, A replaced by G.
Protein change: p.Asn202Ser; replaces asparagine 202 with serine.
Molecular consequence: missense variant. On other transcripts: 3 prime UTR variant (1), intron variant (1).
Genome position (GRCh38, 1-based): chr11:6,609,143, A>G. VCF-style: chr11-6609143-A-G. GRCh37 (hg19) VCF-style: chr11-6630374-A-G.
Other names: c.605A>G, p.Asn202Ser (NM_001014794.3, NM_001014795.3); c.203A>G, p.Asn68Ser (NM_001278442.2); c.*1779T>C (NM_006284.4); c.436-156A>G (NM_001278441.2); short protein forms N202S, N68S.
Identifiers: ClinVar variation 4806416 (VCV004806416.1).